The following is an entry in ClinVar:

NM_025233.7(COASY):c.773T>C (p.Ile258Thr)

Gene: COASY (Coenzyme A synthase; plus strand). Cytogenetic location: 17q21.2.
Variant type: single nucleotide variant.
Coding change: c.773T>C on transcript NM_025233.7 (MANE Select); coding-DNA position 773, T replaced by C.
Protein change: p.Ile258Thr; replaces isoleucine 258 with threonine.
Molecular consequence: missense variant.
Genome position (GRCh38, 1-based): chr17:42,564,033, T>C. VCF-style: chr17-42564033-T-C. GRCh37 (hg19) VCF-style: chr17-40716051-T-C.
Other names: c.773T>C, p.Ile258Thr (NM_001042529.3); c.860T>C, p.Ile287Thr (NM_001042532.4); short protein forms I258T, I287T.
Identifiers: ClinVar variation 2105596 (VCV002105596.4), dbSNP rs767662264, ClinGen allele CA8578059.

ClinVar aggregate classification (germline): Uncertain significance (1 of 4 stars; one submission).

Conditions:
Neurodegeneration with brain iron accumulation 6 (NBIA6). Also called: COASY protein-associated neurodegeneration. Identifiers: Orphanet 397725, MedGen C4517377, MONDO:0014290, OMIM 615643.

Allele frequency attached by ClinVar (database versions not stated): gnomAD exomes below 0.00001; ExAC 0.00001; gnomAD 0.00001.
gnomAD v4.1: 5 of 1,613,980 alleles (0.00031%); highest among the groups gnomAD compares: Non-Finnish European, 0.00025%; no homozygotes.

Submission:

Labcorp Genetics (formerly Invitae), Labcorp
Classification: Uncertain significance for Neurodegeneration with brain iron accumulation 6. Last evaluated: 2022-03-02. Review status: criteria provided, single submitter. Criteria: Invitae Variant Classification Sherloc (09022015). Collection method: clinical testing. Allele origin: germline.
Comment: This variant is present in population databases (rs767662264, gnomAD 0.002%). This sequence change replaces isoleucine, which is neutral and non-polar, with threonine, which is neutral and polar, at codon 258 of the COASY protein (p.Ile258Thr). This variant has not been reported in the literature in individuals affected with COASY-related conditions. In summary, the available evidence is currently insufficient to determine the role of this variant in disease. Therefore, it has been classified as a Variant of Uncertain Significance. Algorithms developed to predict the effect of missense changes on protein structure and function are either unavailable or do not agree on the potential impact of this missense change (SIFT: "Deleterious"; PolyPhen-2: "Benign"; Align-GVGD: "Class C25").